The following is an entry in ClinVar:

ClinVar aggregate classification (germline): Uncertain significance (1 of 4 stars; one submission).

Conditions:
Carnitine palmitoyl transferase 1A deficiency. Also called: CPT deficiency, hepatic, type IA; CPT I DEFICIENCY; CPT DEFICIENCY, HEPATIC, TYPE I; Carnitine palmitoyltransferase 1A deficiency; Carnitine palmitoyltransferase type I deficiency. Identifiers: Orphanet 156, MedGen C1829703, MONDO:0009705, OMIM 255120.

Submission:

Labcorp Genetics (formerly Invitae), Labcorp
Classification: Uncertain significance for Carnitine palmitoyl transferase 1A deficiency. Last evaluated: 2021-09-30. Review status: criteria provided, single submitter. Criteria: Invitae Variant Classification Sherloc (09022015). Collection method: clinical testing. Allele origin: germline.
Comment: This variant has not been reported in the literature in individuals affected with CPT1A-related conditions. This variant is not present in population databases (ExAC no frequency). This sequence change replaces tyrosine with histidine at codon 398 of the CPT1A protein (p.Tyr398His). The tyrosine residue is moderately conserved and there is a moderate physicochemical difference between tyrosine and histidine. Algorithms developed to predict the effect of missense changes on protein structure and function (SIFT, PolyPhen-2, Align-GVGD) all suggest that this variant is likely to be tolerated. In summary, the available evidence is currently insufficient to determine the role of this variant in disease. Therefore, it has been classified as a Variant of Uncertain Significance.

NM_001876.4(CPT1A):c.1192T>C (p.Tyr398His)

Genes: CPT1A (carnitine palmitoyltransferase 1A; minus strand), LOC126861244 (BRD4-independent group 4 enhancer GRCh37_chr11:68549035-68550234; plus strand). Cytogenetic location: 11q13.3.
Variant type: single nucleotide variant.
Coding change: c.1192T>C on transcript NM_001876.4 (MANE Select); coding-DNA position 1192, T replaced by C.
Protein change: p.Tyr398His; replaces tyrosine 398 with histidine.
Molecular consequence: missense variant.
Genome position (GRCh38, 1-based): chr11:68,781,931, A>G on the plus strand (T>C on the coding strand, the complement: CPT1A is on the minus strand). VCF-style: chr11-68781931-A-G. GRCh37 (hg19) VCF-style: chr11-68549399-A-G.
Other names: c.1192T>C, p.Tyr398His (NM_001031847.3); short protein forms Y398H.
Identifiers: ClinVar variation 1383898 (VCV001383898.6), dbSNP rs2153997934, ClinGen allele CA381631883.